The following is an entry in ClinVar:

NM_001174150.2(ARL13B):c.59+1G>A

Gene: ARL13B (ARF like GTPase 13B; plus strand). Cytogenetic location: 3q11.1.
Variant type: single nucleotide variant.
Coding change: c.59+1G>A on transcript NM_001174150.2 (MANE Select); the canonical splice donor site of the intron after coding-DNA position 59, G replaced by A.
Molecular consequence: splice donor variant.
Genome position (GRCh38, 1-based): chr3:93,980,483, G>A. VCF-style: chr3-93980483-G-A. GRCh37 (hg19) VCF-style: chr3-93699327-G-A.
Other names: c.-109+1G>A (NM_001321328.2); c.59+1G>A (NM_182896.3, NM_001410782.1, NM_144996.4); c.-180+1G>A (NM_001174151.2).
Identifiers: ClinVar variation 2445749 (VCV002445749.1), dbSNP rs1710156502, ClinGen allele CA353675123.

ClinVar aggregate classification (germline): Likely pathogenic (1 of 4 stars; one submission).

Conditions:
Joubert syndrome and related disorders. Identifiers: Orphanet 140874, MedGen C5679612, MONDO:0015369.

Submission:

Women's Health and Genetics/Laboratory Corporation of America, LabCorp
Classification: Likely pathogenic for Joubert syndrome and related disorders. Last evaluated: 2023-02-07. Review status: criteria provided, single submitter. Criteria: LabCorp Variant Classification Summary - May 2015. Collection method: clinical testing. Allele origin: germline.
Comment: Variant summary: ARL13B c.59+1G>A is located in a canonical splice-site and is predicted to affect mRNA splicing resulting in a significantly altered protein due to either exon skipping, shortening, or inclusion of intronic material. Several computational tools predict a significant impact on normal splicing: Four predict the variant abolishes a 5' splicing donor site. However, these predictions have yet to be confirmed by functional studies. The variant was absent in 246522 control chromosomes. To our knowledge, no occurrence of c.59+1G>A in individuals affected with Joubert Syndrome And Related Disorders and no experimental evidence demonstrating its impact on protein function have been reported. No clinical diagnostic laboratories have submitted clinical-significance assessments for this variant to ClinVar after 2014. Based on the evidence outlined above, the variant was classified as likely pathogenic.